The following is an entry in ClinVar:

NM_001009944.3(PKD1):c.9417del (p.Ile3140fs)

Gene: PKD1 (polycystin 1, transient receptor potential channel interacting; minus strand). Cytogenetic location: 16p13.3.
Variant type: Deletion.
Coding change: c.9417del on transcript NM_001009944.3 (MANE Select); coding-DNA position 9417, one base deleted (C; older notation c.9417delC).
Protein change: p.Ile3140fs; shifts the reading frame from isoleucine 3140.
Molecular consequence: frameshift variant.
Genome position (GRCh38, 1-based): chr16:2,100,547, G deleted on the plus strand (C on the coding strand, the reverse complement: PKD1 is on the minus strand). VCF-style (leftmost placement, unchanged base first): chr16-2100546-TG-T. GRCh37 (hg19) VCF-style: chr16-2150547-TG-T.
Other names: c.9417del, p.Ile3140fs (NM_000296.4); short protein forms I3140fs.
Identifiers: ClinVar variation 3066114 (VCV003066114.1), dbSNP rs2544718731, ClinGen allele CA2740098068.
Genomic context (GRCh38, chr16:2,100,546, plus strand): 5'-AGGCTCTGTCGCCGTCCAGGTGCCGGTGGCCGCTCCGGCTGTCCACCCCATACAGCATGA[TG>T]CCCACGTGGGCCGTGGTACCTGGGAGGCAAGAGGGAGGGGTGGGAGGCTCGGTCTGCTGC-3'

ClinVar aggregate classification (germline): Pathogenic (1 of 4 stars; one submission).

Conditions:
Polycystic kidney disease, adult type (PKD1). Also called: Polycystic Kidney, Autosomal Dominant; POLYCYSTIC KIDNEY DISEASE 1 WITH OR WITHOUT POLYCYSTIC LIVER DISEASE; Polycystic Kidney Disease 1, Autosomal Dominant; Polycystic kidney disease 1; Polycystic kidney disease 1, severe; POLYCYSTIC KIDNEY DISEASE, ADULT, TYPE I. Identifiers: MedGen C3149841, MONDO:0008263, OMIM 173900.

Submission:

MVZ Medizinische Genetik Mainz
Classification: Pathogenic for Polycystic kidney disease, adult type. Last evaluated: 2023-05-03. Review status: criteria provided, single submitter. Criteria: UK Practice Guidelines For Variant Classification V4 01 2020. Collection method: clinical testing. Allele origin: germline. Inheritance: Autosomal dominant inheritance. Affected: yes. Observed: 1 variant allele.
Comment: ACMG Criteria: PVS1,PM2_SUP,PP4